The following is an entry in ClinVar:

ClinVar aggregate classification (germline): Uncertain significance. Review status: criteria provided, multiple submitters, no conflicts (2 of 4 stars). 3 submissions from 3 submitters: Uncertain significance (3). Last evaluated 2026-04-29.

Conditions:
Cardiovascular phenotype. Identifiers: MedGen CN230736.
ALPK3-related disorder. Also called: ALPK3-related condition.

Allele frequency attached by ClinVar (database versions not stated): TOPMed 0.00002; gnomAD 0.00003; 1000 Genomes Project 30x 0.00016; 1000 Genomes Project 0.00020.
gnomAD v4.1: 5 of 1,554,786 alleles (0.00032%); highest among the groups gnomAD compares: African/African-American, 0.0054%; no homozygotes.

Submissions (3):

PreventionGenetics, part of Exact Sciences
Classification: Uncertain significance for ALPK3-related condition. Last evaluated: 2026-04-29. Review status: criteria provided, single submitter. Criteria: ACMG Guidelines, 2015. Collection method: clinical testing. Allele origin: germline.
Comment: The ALPK3 c.4255C>G variant is predicted to result in the amino acid substitution p.Gln1419Glu. To our knowledge, this variant has not been reported in the literature. This variant is reported in 0.023% of alleles in individuals of African descent in gnomAD. At this time, the clinical significance of this variant is uncertain due to the absence of conclusive functional and genetic evidence.

Labcorp Genetics (formerly Invitae), Labcorp
Classification: Uncertain significance. Last evaluated: 2025-09-14. Review status: criteria provided, single submitter. Criteria: Invitae Variant Classification Sherloc (09022015). Collection method: clinical testing. Allele origin: germline.
Comment: This sequence change replaces glutamine, which is neutral and polar, with glutamic acid, which is acidic and polar, at codon 1419 of the ALPK3 protein (p.Gln1419Glu). This variant is present in population databases (rs568198995, gnomAD 0.01%). This variant has not been reported in the literature in individuals affected with ALPK3-related conditions. ClinVar contains an entry for this variant (Variation ID: 2325500). Invitae Evidence Modeling of protein sequence and biophysical properties (such as structural, functional, and spatial information, amino acid conservation, physicochemical variation, residue mobility, and thermodynamic stability) indicates that this missense variant is expected to disrupt ALPK3 protein function with a positive predictive value of 80%. In summary, the available evidence is currently insufficient to determine the role of this variant in disease. Therefore, it has been classified as a Variant of Uncertain Significance.

Ambry Genetics
Classification: Uncertain significance for Cardiovascular phenotype. Last evaluated: 2024-05-26. Review status: criteria provided, single submitter. Criteria: Ambry Variant Classification Scheme 2023. Collection method: clinical testing. Allele origin: germline.
Comment: The p.Q1419E variant (also known as c.4255C>G), located in coding exon 6 of the ALPK3 gene, results from a C to G substitution at nucleotide position 4255. The glutamine at codon 1419 is replaced by glutamic acid, an amino acid with highly similar properties. This amino acid position is conserved. In addition, this alteration is predicted to be tolerated by in silico analysis. Based on the available evidence, the clinical significance of this variant remains unclear.

NM_020778.5(ALPK3):c.3649C>G (p.Gln1217Glu)

Gene: ALPK3 (alpha kinase 3; plus strand). Cytogenetic location: 15q25.3.
Variant type: single nucleotide variant.
Coding change: c.3649C>G on transcript NM_020778.5 (MANE Select); coding-DNA position 3649, C replaced by G.
Protein change: p.Gln1217Glu; replaces glutamine 1217 with glutamic acid.
Molecular consequence: missense variant.
Genome position (GRCh38, 1-based): chr15:84,858,387, C>G. VCF-style: chr15-84858387-C-G. GRCh37 (hg19) VCF-style: chr15-85401618-C-G.
Other names: short protein forms Q1217E.
Identifiers: ClinVar variation 2325500 (VCV002325500.7), dbSNP rs568198995, ClinGen allele CA273625842.